The following is an entry in ClinVar:

NM_003482.4(KMT2D):c.13655T>C (p.Leu4552Pro)

Gene: KMT2D (lysine methyltransferase 2D; minus strand). Cytogenetic location: 12q13.12.
Variant type: single nucleotide variant.
Coding change: c.13655T>C on transcript NM_003482.4 (MANE Select); coding-DNA position 13655, T replaced by C.
Protein change: p.Leu4552Pro; replaces leucine 4552 with proline.
Molecular consequence: missense variant.
Genome position (GRCh38, 1-based): chr12:49,030,909, A>G on the plus strand (T>C on the coding strand, the complement: KMT2D is on the minus strand). VCF-style: chr12-49030909-A-G. GRCh37 (hg19) VCF-style: chr12-49424692-A-G.
Other names: short protein forms L4552P.
Identifiers: ClinVar variation 1503919 (VCV001503919.8), dbSNP rs2120410953, ClinGen allele CA384703158.

ClinVar aggregate classification (germline): Uncertain significance (1 of 4 stars; one submission).

Conditions:
Kabuki syndrome. Also called: NIIKAWA-KUROKI SYNDROME; Kabuki make-up syndrome. Identifiers: Orphanet 2322, MedGen C0796004, MONDO:0016512.

Submission:

Labcorp Genetics (formerly Invitae), Labcorp
Classification: Uncertain significance for Kabuki syndrome. Last evaluated: 2022-07-26. Review status: criteria provided, single submitter. Criteria: Invitae Variant Classification Sherloc (09022015). Collection method: clinical testing. Allele origin: germline.
Comment: In summary, the available evidence is currently insufficient to determine the role of this variant in disease. Therefore, it has been classified as a Variant of Uncertain Significance. Advanced modeling of protein sequence and biophysical properties (such as structural, functional, and spatial information, amino acid conservation, physicochemical variation, residue mobility, and thermodynamic stability) performed at Invitae indicates that this missense variant is not expected to disrupt KMT2D protein function. ClinVar contains an entry for this variant (Variation ID: 1503919). This variant has not been reported in the literature in individuals affected with KMT2D-related conditions. This variant is not present in population databases (gnomAD no frequency). This sequence change replaces leucine, which is neutral and non-polar, with proline, which is neutral and non-polar, at codon 4552 of the KMT2D protein (p.Leu4552Pro).